The following is an entry in ClinVar:

ClinVar aggregate classification (germline): Uncertain significance (1 of 4 stars; one submission).

Conditions:
PCNT-related disorder. Also called: PCNT-related condition.

Allele frequency attached by ClinVar (database versions not stated): TOPMed below 0.00001; ExAC 0.00002.
gnomAD v4.1: 16 of 1,613,836 alleles (0.00099%); highest among the groups gnomAD compares: South Asian, 0.0011%; no homozygotes.

Submission:

PreventionGenetics, part of Exact Sciences
Classification: Uncertain significance for PCNT-related condition. Last evaluated: 2023-01-26. Review status: criteria provided, single submitter. Criteria: ACMG Guidelines, 2015. Collection method: clinical testing. Allele origin: germline.
Comment: The PCNT c.7885G>A variant is predicted to result in the amino acid substitution p.Glu2629Lys. To our knowledge, this variant has not been reported in the literature. This variant is reported in 0.0033% of alleles in individuals of South Asian descent in gnomAD. At this time, the clinical significance of this variant is uncertain due to the absence of conclusive functional and genetic evidence.

NM_006031.6(PCNT):c.7885G>A (p.Glu2629Lys)

Gene: PCNT (pericentrin; plus strand). Cytogenetic location: 21q22.3.
Variant type: single nucleotide variant.
Coding change: c.7885G>A on transcript NM_006031.6 (MANE Select); coding-DNA position 7885, G replaced by A.
Protein change: p.Glu2629Lys; replaces glutamic acid 2629 with lysine.
Molecular consequence: missense variant.
Genome position (GRCh38, 1-based): chr21:46,430,204, G>A. VCF-style: chr21-46430204-G-A. GRCh37 (hg19) VCF-style: chr21-47850118-G-A.
Other names: c.7531G>A, p.Glu2511Lys (NM_001315529.2); short protein forms E2511K, E2629K.
Identifiers: ClinVar variation 2629183 (VCV002629183.1), dbSNP rs755183952, ClinGen allele CA10080813.
Genomic context (GRCh38, chr21:46,430,204, plus strand): 5'-TTGAAGTCCGACCTCTGTGAGAGCAGGCAGAAGAGCGAACAGCTGTCCCGGTCCCTCTGC[G>A]AGGTGCAGCAGGAGGTCCTCCAGCTGAGGTGCGCCTGATCCCCCTTCCTGGGACACTGGC-3'
Protein context (NP_006022.3, residues 2619-2639): KSEQLSRSLC[Glu2629Lys]VQQEVLQLRS